The following is an entry in ClinVar:

NM_000092.5(COL4A4):c.832C>T (p.Pro278Ser)

Gene: COL4A4 (collagen type IV alpha 4 chain; minus strand). Cytogenetic location: 2q36.3.
Variant type: single nucleotide variant.
Coding change: c.832C>T on transcript NM_000092.5 (MANE Select); coding-DNA position 832, C replaced by T.
Protein change: p.Pro278Ser; replaces proline 278 with serine.
Molecular consequence: missense variant.
Genome position (GRCh38, 1-based): chr2:227,103,182, G>A on the plus strand (C>T on the coding strand, the complement: COL4A4 is on the minus strand). VCF-style: chr2-227103182-G-A. GRCh37 (hg19) VCF-style: chr2-227967898-G-A.
Other names: short protein forms P278S.
Identifiers: ClinVar variation 1526195 (VCV001526195.1), dbSNP rs1576522703, ClinGen allele CA350857754.

ClinVar aggregate classification (germline): Uncertain significance (1 of 4 stars; one submission).

Conditions:
Benign familial hematuria. Also called: thin basement membrane disease. Identifiers: MedGen C0241908, MONDO:0957317.

Allele frequency attached by ClinVar (database versions not stated): gnomAD exomes below 0.00001; TOPMed below 0.00001; gnomAD 0.00001.
gnomAD v4.1: 2 of 1,612,256 alleles (0.00012%); highest among the groups gnomAD compares: Non-Finnish European, 0.00017%; no homozygotes.

Submission:

3billion
Classification: Uncertain significance for Hematuria, benign familial, 1. Last evaluated: 2022-03-22. Review status: criteria provided, single submitter. Criteria: ACMG Guidelines, 2015. Collection method: clinical testing. Allele origin: germline. Affected: yes. Observed: 1 heterozygote.
Comment: The variant is not observed in the gnomAD v2.1.1 dataset. Therefore, this variant is classified as uncertain significance according to the recommendation of ACMG/AMP guideline.